The following is an entry in ClinVar:

ClinVar aggregate classification (germline): Pathogenic (1 of 4 stars; one submission).

Submission:

Labcorp Genetics (formerly Invitae), Labcorp
Classification: Pathogenic. Last evaluated: 2026-02-01. Review status: criteria provided, single submitter. Criteria: Invitae Variant Classification Sherloc (09022015). Collection method: clinical testing. Allele origin: germline.
Comment: This sequence change creates a premature translational stop signal (p.Phe1282Leufs*4) in the ARID1B gene. It is expected to result in an absent or disrupted protein product. Loss-of-function variants in ARID1B are known to be pathogenic (PMID: 25674384, 30349098). This variant is not present in population databases (gnomAD no frequency). This premature translational stop signal has been observed in individual(s) with ARID1B-related conditions (PMID: 37500730). For these reasons, this variant has been classified as Pathogenic.

Literature cited by the submitters: PubMed 25674384; PubMed 30349098; PubMed 37500730.

NM_001374828.1(ARID1B):c.4212del (p.Phe1405fs)

Gene: ARID1B (AT-rich interaction domain 1B; plus strand). Cytogenetic location: 6q25.3.
Variant type: Deletion.
Coding change: c.4212del on transcript NM_001374828.1 (MANE Select); coding-DNA position 4212, one base deleted (C; older notation c.4212delC).
Protein change: p.Phe1405fs; shifts the reading frame from phenylalanine 1405.
Molecular consequence: frameshift variant.
Genome position (GRCh38, 1-based): chr6:157,190,191, C deleted; the last of 4 consecutive C bases (chr6:157,190,188-157,190,191); deleting any one gives the same sequence. VCF-style (leftmost placement, unchanged base first): chr6-157190187-AC-A. GRCh37 (hg19) VCF-style: chr6-157511321-AC-A.
Other names: c.1713del, p.Phe572fs (NM_001363725.2); c.4092del, p.Phe1365fs (NM_001371656.1, NM_001374820.1); c.4341del, p.Phe1448fs (NM_001438482.1); c.4254del, p.Phe1419fs (NM_001438483.1); c.4122del, p.Phe1375fs (NM_001438485.1); c.4095del, p.Phe1366fs (NM_001438486.1); c.4032del, p.Phe1345fs (NM_001438487.1); c.1554del, p.Phe519fs (NM_001438488.1); and 1 more; short protein forms F1419fs, F519fs, F1345fs, F1366fs, F1448fs, F1352fs, F1365fs, F572fs.
Identifiers: ClinVar variation 4710745 (VCV004710745.1).